The following is an entry in ClinVar:

NC_000002.12:g.51699461_51699766del

Gene: NRXN1-DT (NRXN1 divergent transcript; plus strand). Cytogenetic location: 2p16.3.
Variant type: Deletion.
Genome position: GRCh38: chr2:51,699,461-51,699,766. GRCh37 (hg19): chr2:51,926,599-51,926,904.
Identifiers: ClinVar variation 156787 (VCV000156787.2), dbSNP rs1553354646, ClinGen allele CA211991.

ClinVar aggregate classification (germline): not provided. Review status: no classification provided (0 of 4 stars). 4 submissions from 1 submitter: not provided (4).

Conditions:
Preeclampsia. Identifiers: Orphanet 275555, MedGen C0032914, MONDO:0005081, HP:0100602.
Normal pregnancy. Identifiers: MedGen C0232989.
Large for gestational age. Identifiers: MedGen C1848395, HP:0001520.
Gestational diabetes mellitus uncontrolled. Identifiers: MedGen C3532257.

Submissions (4):

Institute of Molecular and Cell Biology, University of Tartu
No classification provided. Condition: Preeclampsia. Review status: no classification provided. Collection method: case-control. Allele origin: unknown. Affected: yes. Study: Kasak2014.
Comment: The study aimed to determine the contribution of copy number variants in the genetic etiology of normal and complicated pregnancies. The samples represented (i) maternal blood DNA drawn from healthy pregnant women during 1st or 2nd trimester and (ii) maternal and paternal blood DNA drawn at term pregnancy cases representing normal and complicated gestations (severe preeclampsia, PE; gestational diabetes, GD; small-for-gestational age newborn, SGA; large-for-gestational age newborn, LGA). We performed CNV calling based on genome-wide genotyping dataset (Illumina HumanOmniExpress-24-v1 BeadChip) by applying three algorithms, QuantiSNP, GADA (Genome Alteration Detection Algorithm) and CNstream in parallel. The acquired CNV calls were merged with HD-CNV (Hotspot Detector for Copy Number Variants) program and only the CNVs predicted by at least two programs, were considered in subsequent analysis.

Institute of Molecular and Cell Biology, University of Tartu
No classification provided. Condition: Normal pregnancy. Review status: no classification provided. Collection method: case-control. Allele origin: unknown. Affected: yes. Study: Kasak2014.
Comment: the same text as in the submission from Institute of Molecular and Cell Biology, University of Tartu above.

Institute of Molecular and Cell Biology, University of Tartu
No classification provided. Condition: Large for gestational age. Review status: no classification provided. Collection method: case-control. Allele origin: unknown. Affected: yes. Study: Kasak2014.
Comment: the same text as in the submission from Institute of Molecular and Cell Biology, University of Tartu above.

Institute of Molecular and Cell Biology, University of Tartu
No classification provided. Condition: Gestational diabetes mellitus uncontrolled. Review status: no classification provided. Collection method: case-control. Allele origin: unknown. Affected: yes. Study: Kasak2014.
Comment: the same text as in the submission from Institute of Molecular and Cell Biology, University of Tartu above.

Literature cited by the submitters: PubMed 25666259.